The following is an entry in ClinVar:

ClinVar aggregate classification (germline): Uncertain significance (1 of 4 stars; one submission).

Conditions:
Infantile-onset X-linked spinal muscular atrophy. Also called: ARTHROGRYPOSIS, X-LINKED, TYPE I; Spinal muscular atrophy, X-linked 2; Spinal Muscular Atrophy, X-Linked Infantile; SPINAL MUSCULAR ATROPHY, X-LINKED LETHAL INFANTILE; AMC, DISTAL, X-LINKED. Identifiers: Orphanet 1145, MedGen C1844934, MONDO:0010532, OMIM 301830.

Submission:

Labcorp Genetics (formerly Invitae), Labcorp
Classification: Uncertain significance for Infantile-onset X-linked spinal muscular atrophy. Last evaluated: 2025-09-12. Review status: criteria provided, single submitter. Criteria: Invitae Variant Classification Sherloc (09022015). Collection method: clinical testing. Allele origin: germline.
Comment: This sequence change falls in intron 16 of the UBA1 gene. It does not directly change the encoded amino acid sequence of the UBA1 protein. Information on the frequency of this variant in the gnomAD database is not available, as this variant may be reported differently in the database. This variant has not been reported in the literature in individuals affected with UBA1-related conditions. ClinVar contains an entry for this variant (Variation ID: 3018445). Experimental studies and prediction algorithms are not available or were not evaluated, and the effect of this variant on mRNA splicing is currently unknown. In summary, the available evidence is currently insufficient to determine the role of this variant in disease. Therefore, it has been classified as a Variant of Uncertain Significance.

NM_003334.4(UBA1):c.1939-14_1939-13delinsAT

Gene: UBA1 (ubiquitin like modifier activating enzyme 1; plus strand). Cytogenetic location: Xp11.3.
Variant type: Indel.
Coding change: c.1939-14_1939-13delinsAT on transcript NM_003334.4 (MANE Select); 14 bases into the intron before coding-DNA position 1939 through 13 bases into the intron before coding-DNA position 1939, TG replaced by AT.
Molecular consequence: intron variant.
Genome position (GRCh38, 1-based): chrX:47,209,609-47,209,610, TG replaced by AT. VCF-style: chrX-47209609-TG-AT. GRCh37 (hg19) VCF-style: chrX-47069008-TG-AT.
Other names: c.1939-14_1939-13delinsAT (NM_153280.3).
Identifiers: ClinVar variation 3018445 (VCV003018445.3), dbSNP rs2521592981, ClinGen allele CA2740092121.